The following is an entry in ClinVar:

NM_032119.4(ADGRV1):c.16721G>T (p.Ser5574Ile)

Gene: ADGRV1 (adhesion G protein-coupled receptor V1; plus strand). Cytogenetic location: 5q14.3.
Variant type: single nucleotide variant.
Coding change: c.16721G>T on transcript NM_032119.4 (MANE Select); coding-DNA position 16721, G replaced by T.
Protein change: p.Ser5574Ile; replaces serine 5574 with isoleucine.
Molecular consequence: missense variant. On other transcripts: non-coding transcript variant (1).
Genome position (GRCh38, 1-based): chr5:90,840,687, G>T. VCF-style: chr5-90840687-G-T. GRCh37 (hg19) VCF-style: chr5-90136504-G-T.
Other names: short protein forms S5574I.
Identifiers: ClinVar variation 1345087 (VCV001345087.8), dbSNP rs1402148870, ClinGen allele CA360428375.

ClinVar aggregate classification (germline): Uncertain significance (1 of 4 stars; one submission).

Submission:

Labcorp Genetics (formerly Invitae), Labcorp
Classification: Uncertain significance. Last evaluated: 2021-04-13. Review status: criteria provided, single submitter. Criteria: Invitae Variant Classification Sherloc (09022015). Collection method: clinical testing. Allele origin: germline.
Comment: This sequence change replaces serine with isoleucine at codon 5574 of the ADGRV1 protein (p.Ser5574Ile). The serine residue is weakly conserved and there is a large physicochemical difference between serine and isoleucine. This variant is not present in population databases (ExAC no frequency). This variant has not been reported in the literature in individuals with ADGRV1-related conditions. Algorithms developed to predict the effect of missense changes on protein structure and function are either unavailable or do not agree on the potential impact of this missense change (SIFT: "Deleterious"; PolyPhen-2: "Benign"; Align-GVGD: "Class C0"). In summary, the available evidence is currently insufficient to determine the role of this variant in disease. Therefore, it has been classified as a Variant of Uncertain Significance.